The following is an entry in ClinVar:

ClinVar aggregate classification (germline): Uncertain significance (1 of 4 stars; one submission).

Conditions:
Early-infantile DEE. Also called: Early infantile epileptic encephalopathy; Early infantile epileptic encephalopathy with suppression bursts; Ohtahara syndrome. Identifiers: Orphanet 1934, MedGen C0393706, MONDO:0800491.

Allele frequency attached by ClinVar (database versions not stated): TOPMed 0.00003; gnomAD 0.00001.
gnomAD v4.1: 14 of 1,613,860 alleles (0.00087%); highest among the groups gnomAD compares: East Asian, 0.029%; no homozygotes.

Submission:

Labcorp Genetics (formerly Invitae), Labcorp
Classification: Uncertain significance for Early-infantile DEE. Last evaluated: 2024-06-09. Review status: criteria provided, single submitter. Criteria: Invitae Variant Classification Sherloc (09022015). Collection method: clinical testing. Allele origin: germline.
Comment: This sequence change replaces tyrosine, which is neutral and polar, with phenylalanine, which is neutral and non-polar, at codon 753 of the ARHGEF15 protein (p.Tyr753Phe). This variant is present in population databases (rs777499580, gnomAD 0.03%). This variant has not been reported in the literature in individuals affected with ARHGEF15-related conditions. An algorithm developed to predict the effect of missense changes on protein structure and function (PolyPhen-2) suggests that this variant is likely to be tolerated. In summary, the available evidence is currently insufficient to determine the role of this variant in disease. Therefore, it has been classified as a Variant of Uncertain Significance.

NM_173728.4(ARHGEF15):c.2258A>T (p.Tyr753Phe)

Gene: ARHGEF15 (Rho guanine nucleotide exchange factor 15; plus strand). Cytogenetic location: 17p13.1.
Variant type: single nucleotide variant.
Coding change: c.2258A>T on transcript NM_173728.4 (MANE Select); coding-DNA position 2258, A replaced by T.
Protein change: p.Tyr753Phe; replaces tyrosine 753 with phenylalanine.
Molecular consequence: missense variant.
Genome position (GRCh38, 1-based): chr17:8,319,383, A>T. VCF-style: chr17-8319383-A-T. GRCh37 (hg19) VCF-style: chr17-8222701-A-T.
Other names: c.2258A>T, p.Tyr753Phe (NM_025014.2); short protein forms Y753F.
Identifiers: ClinVar variation 2830551 (VCV002830551.3), dbSNP rs777499580, ClinGen allele CA8375458.
Genomic context (GRCh38, chr17:8,319,383, plus strand): 5'-AGCGCTGGCTGGGAGCCTTCCCAACCCCAGGCCCCCTTCCCTGCTCCCCAGACACCATCT[A>T]TGAGGACTGTGGTGAGTATCCCCCTAGAGGGGATGAGGGAAGAAAAAGCGAGTCTTAGAG-3'
Protein context (NP_776089.2, residues 743-763): GPLPCSPDTI[Tyr753Phe]EDCDCSQELC